The following is an entry in ClinVar:

ClinVar aggregate classification (germline): Uncertain significance (1 of 4 stars; one submission).

Submission:

GeneDx
Classification: Uncertain significance. Last evaluated: 2017-03-30. Review status: criteria provided, single submitter. Criteria: GeneDx Variant Classification (06012015). Collection method: clinical testing. Allele origin: germline. Affected: yes.
Comment: The F1752L variant in the OTOF gene has not been reported previously as a pathogenic variant, nor as a benign variant, to our knowledge. The F1752L variant is not observed in large population cohorts (Lek et al., 2016; 1000 Genomes Consortium et al., 2015; Exome Variant Server). The F1752L variant is a conservative amino acid substitution, which is not likely to impact secondary protein structure as these residues share similar properties. This substitution occurs at a position that is conserved across species. In silico analysis predicts this variant is probably damaging to the protein structure/function. We interpret F1752L as a variant of uncertain significance.

NM_194248.3(OTOF):c.5254T>C (p.Phe1752Leu)

Gene: OTOF (otoferlin; minus strand). Cytogenetic location: 2p23.3.
Variant type: single nucleotide variant.
Coding change: c.5254T>C on transcript NM_194248.3 (MANE Select); coding-DNA position 5254, T replaced by C.
Protein change: p.Phe1752Leu; replaces phenylalanine 1752 with leucine.
Molecular consequence: missense variant.
Genome position (GRCh38, 1-based): chr2:26,462,120, A>G on the plus strand (T>C on the coding strand, the complement: OTOF is on the minus strand). VCF-style: chr2-26462120-A-G. GRCh37 (hg19) VCF-style: chr2-26684988-A-G.
Other names: c.5254T>C, p.Phe1752Leu (NM_001287489.2); c.2953T>C, p.Phe985Leu (NM_004802.4, NM_194323.3); c.3184T>C, p.Phe1062Leu (NM_194322.3); short protein forms F1752L, F1062L, F985L.
Identifiers: ClinVar variation 426855 (VCV000426855.2), dbSNP rs1085307832, ClinGen allele CA346132085.